The following is an entry in ClinVar:

NM_005993.5(TBCD):c.1757C>T (p.Ala586Val)

Gene: TBCD (tubulin folding cofactor D). Cytogenetic location: 17q25.3.
Variant type: single nucleotide variant.
Coding change: c.1757C>T on transcript NM_005993.5 (MANE Select); coding-DNA position 1757, C replaced by T.
Protein change: p.Ala586Val; replaces alanine 586 with valine.
Molecular consequence: missense variant.
Genome position (GRCh38, 1-based): chr17:82,903,431, C>T. VCF-style: chr17-82903431-C-T. GRCh37 (hg19) VCF-style: chr17-80861307-C-T.
Other names: c.1706C>T, p.Ala569Val (NM_001411101.1); c.1676C>T, p.Ala559Val (NM_001411102.1); short protein forms A559V, A569V, A586V.
Identifiers: ClinVar variation 3723007 (VCV003723007.2).

ClinVar aggregate classification (germline): Pathogenic (1 of 4 stars; one submission).

gnomAD v4.1: 4 of 1,604,348 alleles (0.00025%); highest among the groups gnomAD compares: Non-Finnish European, 0.00017%; no homozygotes.

Submission:

Labcorp Genetics (formerly Invitae), Labcorp
Classification: Pathogenic. Last evaluated: 2024-02-25. Review status: criteria provided, single submitter. Criteria: Invitae Variant Classification Sherloc (09022015). Collection method: clinical testing. Allele origin: germline.
Comment: This sequence change replaces alanine, which is neutral and non-polar, with valine, which is neutral and non-polar, at codon 586 of the TBCD protein (p.Ala586Val). This variant is not present in population databases (gnomAD no frequency). This missense change has been observed in individual(s) with TBCD-related conditions (PMID: 27807845, 28158450). In at least one individual the data is consistent with being in trans (on the opposite chromosome) from a pathogenic variant. It has also been observed to segregate with disease in related individuals. Advanced modeling of protein sequence and biophysical properties (such as structural, functional, and spatial information, amino acid conservation, physicochemical variation, residue mobility, and thermodynamic stability) has been performed at Invitae for this missense variant, however the output from this modeling did not meet the statistical confidence thresholds required to predict the impact of this variant on TBCD protein function. For these reasons, this variant has been classified as Pathogenic.

Literature cited by the submitters: PubMed 27807845; PubMed 28158450.